The following is an entry in ClinVar:

ClinVar aggregate classification (germline): Uncertain significance (1 of 4 stars; one submission).

Conditions:
EGFR-related lung cancer (EGFR). Identifiers: MedGen CN130014.

Submission:

Labcorp Genetics (formerly Invitae), Labcorp
Classification: Uncertain significance for EGFR-related lung cancer. Last evaluated: 2021-05-04. Review status: criteria provided, single submitter. Criteria: Invitae Variant Classification Sherloc (09022015). Collection method: clinical testing. Allele origin: germline.
Comment: This sequence change replaces glutamine with histidine at codon 71 of the EGFR protein (p.Gln71His). The glutamine residue is moderately conserved and there is a small physicochemical difference between glutamine and histidine. This variant is not present in population databases (ExAC no frequency). This variant has not been reported in the literature in individuals with EGFR-related conditions. Algorithms developed to predict the effect of missense changes on protein structure and function are either unavailable or do not agree on the potential impact of this missense change (SIFT: "Tolerated"; PolyPhen-2: "Possibly Damaging"; Align-GVGD: "Class C0"). In summary, the available evidence is currently insufficient to determine the role of this variant in disease. Therefore, it has been classified as a Variant of Uncertain Significance.

NM_005228.5(EGFR):c.213G>C (p.Gln71His)

Gene: EGFR (epidermal growth factor receptor; plus strand). Cytogenetic location: 7p11.2.
Variant type: single nucleotide variant.
Coding change: c.213G>C on transcript NM_005228.5 (MANE Select); coding-DNA position 213, G replaced by C.
Protein change: p.Gln71His; replaces glutamine 71 with histidine.
Molecular consequence: missense variant. On other transcripts: intron variant (1).
Genome position (GRCh38, 1-based): chr7:55,142,410, G>C. VCF-style: chr7-55142410-G-C. GRCh37 (hg19) VCF-style: chr7-55210103-G-C.
Other names: c.213G>C, p.Gln71His (NM_001346897.2, NM_001346898.2, NM_001346899.2 and 3 more transcripts); c.54G>C, p.Gln18His (NM_001346900.2); c.89-13420G>C (NM_001346941.2); short protein forms Q71H, Q18H.
Identifiers: ClinVar variation 1462227 (VCV001462227.8), dbSNP rs2128926407, ClinGen allele CA367574930.